The following is an entry in ClinVar:

NM_007194.4(CHEK2):c.683+9T>C

Gene: CHEK2 (checkpoint kinase 2; minus strand). Cytogenetic location: 22q12.1.
Variant type: single nucleotide variant.
Coding change: c.683+9T>C on transcript NM_007194.4 (MANE Select); 9 bases into the intron after coding-DNA position 683, T replaced by C.
Molecular consequence: intron variant.
Genome position (GRCh38, 1-based): chr22:28,719,386, A>G on the plus strand (T>C on the coding strand, the complement: CHEK2 is on the minus strand). VCF-style: chr22-28719386-A-G. GRCh37 (hg19) VCF-style: chr22-29115374-A-G.
Other names: c.20+9T>C (NM_001437942.1, NM_001257387.3); c.482+5500T>C (NM_001349956.3); c.683+9T>C (NM_145862.3); c.776+9T>C (NM_001438295.1, NM_001438293.1); c.812+9T>C (NM_001438294.1, NM_001005735.3).
Identifiers: ClinVar variation 415921 (VCV000415921.26), dbSNP rs1060504691, ClinGen allele CA16616565.

ClinVar aggregate classification (germline): Conflicting classifications of pathogenicity. Review status: criteria provided, conflicting classifications (1 of 4 stars). 8 submissions from 8 submitters: Uncertain significance (1); Benign (1); Likely benign (6). Last evaluated 2026-05-05.

Conditions:
CHEK2-related disorder.
Hereditary cancer-predisposing syndrome. Also called: Hereditary Cancer Syndrome; Tumor predisposition; Hereditary neoplastic syndrome; Neoplastic Syndromes, Hereditary. Identifiers: Orphanet 140162, MedGen C0027672, MeSH D009386, MONDO:0015356.
Familial cancer of breast. Also called: Hereditary breast cancer; hereditary breast carcinoma; BREAST CANCER, FAMILIAL. Identifiers: Orphanet 227535, MedGen C0346153, MONDO:0016419, OMIM 114480. Disease mechanism: loss of function.

Allele frequency attached by ClinVar (database versions not stated): TOPMed below 0.00001; gnomAD 0.00001; gnomAD exomes 0.00001.

Submissions (8):

PreventionGenetics, part of Exact Sciences
Classification: Likely benign for CHEK2-related condition. Last evaluated: 2026-05-05. Review status: criteria provided, single submitter. Criteria: ACMG Guidelines, 2015. Collection method: clinical testing. Allele origin: germline.
Comment: This variant is classified as likely benign based on ACMG/AMP sequence variant interpretation guidelines (Richards et al. 2015 PMID: 25741868, with internal and published modifications).

Women's Health and Genetics/Laboratory Corporation of America, LabCorp
Classification: Likely benign. Last evaluated: 2026-04-21. Review status: criteria provided, single submitter. Criteria: LabCorp Variant Classification Summary - May 2015. Collection method: clinical testing. Allele origin: germline.
Comment: Variant summary: CHEK2 c.683+9T>C alters a nucleotide located at a position not widely known to affect splicing. Consensus agreement among computation tools predict no significant impact on normal splicing. However, these predictions have yet to be confirmed by functional studies. The variant allele was found at a frequency of 1e-05 in 198912 control chromosomes. The available data on variant occurrences in the general population are insufficient to allow any conclusion about variant significance. To our knowledge, no occurrence of c.683+9T>C in individuals affected with CHEK2-related conditions and no experimental evidence demonstrating its impact on protein function have been reported. ClinVar contains an entry for this variant (Variation ID: 415921). Based on the evidence outlined above, the variant was classified as likely benign.

Labcorp Genetics (formerly Invitae), Labcorp
Classification: Likely benign for Familial cancer of breast. Last evaluated: 2025-12-10. Review status: criteria provided, single submitter. Criteria: Invitae Variant Classification Sherloc (09022015). Collection method: clinical testing. Allele origin: germline.

Quest Diagnostics Nichols Institute San Juan Capistrano
Classification: Uncertain significance. Last evaluated: 2025-03-17. Review status: criteria provided, single submitter. Criteria: Quest Diagnostics criteria. Collection method: clinical testing. Allele origin: unknown.
Comment: The CHEK2 c.683+9T>C variant has not been reported in individuals with CHEK2-related conditions in the published literature. The frequency of this variant in the general population (Genome Aggregation Database) is uninformative in the assessment of its pathogenicity. Analysis of this variant using software algorithms for the prediction of the effect of nucleotide changes on splicing yielded predictions that this variant does not affect CHEK2 mRNA splicing. Based on the available information, we are unable to determine the clinical significance of this variant.

Center for Genomic Medicine, Rigshospitalet, Copenhagen University Hospital
Classification: Likely benign. Last evaluated: 2025-03-04. Review status: criteria provided, single submitter. Criteria: ACMG Guidelines, 2015. Collection method: clinical testing. Allele origin: germline.

Myriad Genetics, Inc.
Classification: Likely benign for Familial cancer of breast. Last evaluated: 2024-10-03. Review status: criteria provided, single submitter. Criteria: Myriad Autosomal Dominant, Autosomal Recessive and X-Linked Classification Criteria (2023). Collection method: clinical testing. Allele origin: unknown.
Comment: This variant is considered likely benign. This variant is intronic and is not expected to impact mRNA splicing.

Color Diagnostics, LLC DBA Color Health
Classification: Likely benign for Hereditary cancer-predisposing syndrome. Last evaluated: 2017-10-02. Review status: criteria provided, single submitter. Criteria: ACMG Guidelines, 2015. Collection method: clinical testing. Allele origin: germline.

GeneDx
Classification: Benign. Last evaluated: 2015-08-25. Review status: criteria provided, single submitter. Criteria: GeneDx Variant Classification Process June 2021. Collection method: clinical testing. Allele origin: germline. Affected: yes.